The following is an entry in ClinVar:

NM_138615.3(DHX30):c.929A>G (p.Lys310Arg)

Gene: DHX30 (DExH-box helicase 30; plus strand). Cytogenetic location: 3p21.31.
Variant type: single nucleotide variant.
Coding change: c.929A>G on transcript NM_138615.3 (MANE Select); coding-DNA position 929, A replaced by G.
Protein change: p.Lys310Arg; replaces lysine 310 with arginine.
Molecular consequence: missense variant.
Genome position (GRCh38, 1-based): chr3:47,843,245, A>G. VCF-style: chr3-47843245-A-G. GRCh37 (hg19) VCF-style: chr3-47884735-A-G.
Other names: c.845A>G, p.Lys282Arg (NM_001330990.2); c.812A>G, p.Lys271Arg (NM_014966.4); short protein forms K271R, K310R, K282R.
Identifiers: ClinVar variation 2263476 (VCV002263476.24), dbSNP rs142466412, ClinGen allele CA2369813.

ClinVar aggregate classification (germline): Likely benign. Review status: criteria provided, multiple submitters, no conflicts (2 of 4 stars). 2 submissions from 2 submitters: Likely benign (2). Last evaluated 2023-12-01.

Conditions:
Inborn genetic diseases. Identifiers: MedGen C0950123, MeSH D030342.

Allele frequency attached by ClinVar (database versions not stated): ExAC 0.00026; gnomAD 0.00031; TOPMed 0.00041; ESP Exome Variant Server 0.00046.
gnomAD v4.1: 943 of 1,614,136 alleles (0.058%); highest among the groups gnomAD compares: Non-Finnish European, 0.074%; 1 homozygote.

Submissions (2):

CeGaT Center for Human Genetics Tuebingen
Classification: Likely benign. Last evaluated: 2023-12-01. Review status: criteria provided, single submitter. Criteria: CeGaT Center For Human Genetics Tuebingen Variant Classification Criteria Version 2. Collection method: clinical testing. Allele origin: germline. Affected: yes. Observed: 1 variant allele.
Comment: DHX30: BP4, BS2

Ambry Genetics
Classification: Likely benign for Inborn genetic diseases. Last evaluated: 2022-12-21. Review status: criteria provided, single submitter. Criteria: Ambry Variant Classification Scheme 2023. Collection method: clinical testing. Allele origin: germline.